The following is an entry in ClinVar:

ClinVar aggregate classification (germline): Uncertain significance. Review status: criteria provided, multiple submitters, no conflicts (2 of 4 stars). 8 submissions from 8 submitters: Uncertain significance (8). Last evaluated 2025-11-13.

Conditions:
Hyperkalemic periodic paralysis. Also called: Familial hyperkalemic periodic paralysis; Gamstorp disease. Identifiers: Orphanet 682, MedGen C0238357, MONDO:0008224, OMIM 170500, HP:0007215.
Congenital myasthenic syndrome 16. Identifiers: Orphanet 590, MedGen C3280112, MONDO:0013620, OMIM 614198.
Hypokalemic periodic paralysis, type 1. Also called: Hypokalemic Periodic Paralysis Type 1 (AD); HypoPP. Identifiers: Orphanet 681, MedGen C3714580, MONDO:0042979, OMIM 170400.
Paramyotonia congenita of Von Eulenburg. Also called: Myotonia congenita intermittens; Von Eulenburg paramyotonia congenita; Paramyotonia Congenita; PARALYSIS PERIODICA PARAMYOTONICA; Eulenburg disease. Identifiers: Orphanet 684, MedGen C0221055, MONDO:0008195, OMIM 168300. Disease mechanism: loss of function.
Hypokalemic periodic paralysis, type 2 (HOKPP2). Identifiers: Orphanet 681, MedGen C2750061, MONDO:0013234, OMIM 613345.
Potassium-aggravated myotonia. Also called: Myotonia congenita, atypical, acetazolamide-responsive; MYOTONIA CONGENITA, ACETAZOLAMIDE-RESPONSIVE; MYOTONIA CONGENITA, ATYPICAL; SODIUM CHANNEL MUSCLE DISEASE. Identifiers: Orphanet 612, Orphanet 99734, Orphanet 99735, Orphanet 99736, MedGen C2931826, MONDO:0018959, OMIM 608390.

Allele frequency attached by ClinVar (database versions not stated): gnomAD 0.00007 and 0.00005; gnomAD exomes 0.00007; TOPMed 0.00008; ExAC 0.00010; ESP Exome Variant Server 0.00016.

Submissions (8):

Labcorp Genetics (formerly Invitae), Labcorp
Classification: Uncertain significance for Hyperkalemic periodic paralysis. Last evaluated: 2025-11-13. Review status: criteria provided, single submitter. Criteria: Invitae Variant Classification Sherloc (09022015). Collection method: clinical testing. Allele origin: germline.
Comment: This sequence change replaces arginine, which is basic and polar, with glutamine, which is neutral and polar, at codon 380 of the SCN4A protein (p.Arg380Gln). This variant is present in population databases (rs374446143, gnomAD 0.009%). This variant has not been reported in the literature in individuals affected with SCN4A-related conditions. ClinVar contains an entry for this variant (Variation ID: 570912). Invitae Evidence Modeling of protein sequence and biophysical properties (such as structural, functional, and spatial information, amino acid conservation, physicochemical variation, residue mobility, and thermodynamic stability) indicates that this missense variant is not expected to disrupt SCN4A protein function with a negative predictive value of 95%. In summary, the available evidence is currently insufficient to determine the role of this variant in disease. Therefore, it has been classified as a Variant of Uncertain Significance.

Revvity Omics, Revvity
Classification: Uncertain significance. Last evaluated: 2025-08-07. Review status: criteria provided, single submitter. Criteria: ACMG Guidelines, 2015. Collection method: clinical testing. Allele origin: germline.

Institute of Immunology and Genetics Kaiserslautern
Classification: Uncertain significance for Hyperkalemic periodic paralysis; Hypokalemic periodic paralysis, type 2; Potassium-aggravated myotonia; Paramyotonia congenita of Von Eulenburg. Last evaluated: 2025-06-04. Review status: criteria provided, single submitter. Criteria: ACMG Guidelines, 2015. Collection method: clinical testing. Allele origin: germline. Affected: yes.
Comment: ACMG Criteria: PM2; Variant was found in heterozygous state.

Women's Health and Genetics/Laboratory Corporation of America, LabCorp
Classification: Uncertain significance. Last evaluated: 2025-02-05. Review status: criteria provided, single submitter. Criteria: LabCorp Variant Classification Summary - May 2015. Collection method: clinical testing. Allele origin: germline.
Comment: Variant summary: SCN4A c.1139G>A (p.Arg380Gln) results in a conservative amino acid change located in the ion transport domain (IPR005821) of the encoded protein sequence. Three of five in-silico tools predict a benign effect of the variant on protein function. The variant allele was found at a frequency of 8.8e-05 in 1595766 control chromosomes, predominantly at a frequency of 0.00011 within the Non-Finnish European subpopulation in the gnomAD database (v4.1 dataset). This frequency is not higher than the maximum estimated for a pathogenic variant in SCN4A causing Congenital Myopathy 22A, Classic (0.0011), allowing no conclusion about variant significance. To our knowledge, no occurrence of c.1139G>A in individuals affected with Congenital Myopathy 22A, Classic and no experimental evidence demonstrating its impact on protein function have been reported. ClinVar contains an entry for this variant (Variation ID: 570912). Based on the evidence outlined above, the variant was classified as uncertain significance.

Blueprint Genetics
Classification: Uncertain significance. Last evaluated: 2024-04-04. Review status: criteria provided, single submitter. Criteria: ACMG Guidelines, 2015. Collection method: clinical testing. Allele origin: germline.

Fulgent Genetics
Classification: Uncertain significance for Paramyotonia congenita of Von Eulenburg; Hypokalemic periodic paralysis, type 1; Hyperkalemic periodic paralysis; Potassium-aggravated myotonia; Hypokalemic periodic paralysis, type 2; Congenital myasthenic syndrome 16. Last evaluated: 2021-07-07. Review status: criteria provided, single submitter. Criteria: ACMG Guidelines, 2015. Collection method: clinical testing. Allele origin: unknown.

Mayo Clinic Laboratories, Mayo Clinic
Classification: Uncertain significance. Last evaluated: 2021-01-20. Review status: criteria provided, single submitter. Criteria: ACMG Guidelines, 2015. Collection method: clinical testing. Allele origin: germline. Observed: 1 variant allele.

Athena Diagnostics
Classification: Uncertain significance. Last evaluated: 2020-07-20. Review status: criteria provided, single submitter. Criteria: Athena Diagnostics Criteria. Collection method: clinical testing. Allele origin: unknown.

NM_000334.4(SCN4A):c.1139G>A (p.Arg380Gln)

Gene: SCN4A (sodium voltage-gated channel alpha subunit 4; minus strand). Cytogenetic location: 17q23.3.
Variant type: single nucleotide variant.
Coding change: c.1139G>A on transcript NM_000334.4 (MANE Select); coding-DNA position 1139, G replaced by A.
Protein change: p.Arg380Gln; replaces arginine 380 with glutamine.
Molecular consequence: missense variant.
Genome position (GRCh38, 1-based): chr17:63,966,205, C>T on the plus strand (G>A on the coding strand, the complement: SCN4A is on the minus strand). VCF-style: chr17-63966205-C-T. GRCh37 (hg19) VCF-style: chr17-62043565-C-T.
Other names: short protein forms R380Q.
Identifiers: ClinVar variation 570912 (VCV000570912.24), dbSNP rs374446143, ClinGen allele CA8709912.
Genomic context (GRCh38, chr17:63,966,205, plus strand): 5'-AAGAGAGCCAAGAAGGCCCAGCTGAAGGTGTCATAGCTGGTGTAGCCATAGTTGGGGTTC[C>T]GCCCGGTCTTGATGCACTCATAACCCTCAGGGCAGTGCCTAGGAATAGGACAGGGGGCTG-3'
Protein context (NP_000325.4, residues 370-390): PEGYECIKTG[Arg380Gln]NPNYGYTSYD